The following is an entry in ClinVar:

NM_015650.4(TRAF3IP1):c.389C>A (p.Ala130Asp)

Gene: TRAF3IP1 (TRAF3 interacting protein 1; plus strand). Cytogenetic location: 2q37.3.
Variant type: single nucleotide variant.
Coding change: c.389C>A on transcript NM_015650.4 (MANE Select); coding-DNA position 389, C replaced by A.
Protein change: p.Ala130Asp; replaces alanine 130 with aspartic acid.
Molecular consequence: missense variant.
Genome position (GRCh38, 1-based): chr2:238,328,720, C>A. VCF-style: chr2-238328720-C-A. GRCh37 (hg19) VCF-style: chr2-239237361-C-A.
Other names: c.389C>A, p.Ala130Asp (NM_001139490.1); short protein forms A130D.
Identifiers: ClinVar variation 1380997 (VCV001380997.3), dbSNP rs755757237, ClinGen allele CA2198049.

ClinVar aggregate classification (germline): Uncertain significance (1 of 4 stars; one submission).

Allele frequency attached by ClinVar (database versions not stated): gnomAD exomes below 0.00001 and 0.00001; ExAC 0.00001; TOPMed 0.00001.

Submission:

Labcorp Genetics (formerly Invitae), Labcorp
Classification: Uncertain significance. Last evaluated: 2022-10-04. Review status: criteria provided, single submitter. Criteria: Invitae Variant Classification Sherloc (09022015). Collection method: clinical testing. Allele origin: germline.
Comment: This sequence change replaces alanine, which is neutral and non-polar, with aspartic acid, which is acidic and polar, at codon 130 of the TRAF3IP1 protein (p.Ala130Asp). This variant is present in population databases (rs755757237, gnomAD 0.006%). This variant has not been reported in the literature in individuals affected with TRAF3IP1-related conditions. ClinVar contains an entry for this variant (Variation ID: 1380997). Advanced modeling of protein sequence and biophysical properties (such as structural, functional, and spatial information, amino acid conservation, physicochemical variation, residue mobility, and thermodynamic stability) performed at Invitae indicates that this missense variant is expected to disrupt TRAF3IP1 protein function. In summary, the available evidence is currently insufficient to determine the role of this variant in disease. Therefore, it has been classified as a Variant of Uncertain Significance.